The following is an entry in ClinVar:

ClinVar aggregate classification (germline): Likely benign (1 of 4 stars; one submission).

Allele frequency attached by ClinVar (database versions not stated): 1000 Genomes Project 0.00779; 1000 Genomes Project 30x 0.00781; gnomAD 0.01863 and 0.01902; TOPMed 0.02070.
gnomAD v4.1: 2,840 of 152,314 alleles (1.9%); highest among the groups gnomAD compares: Non-Finnish European, 2.9%; 28 homozygotes.

Submission:

GeneDx
Classification: Likely benign. Last evaluated: 2018-06-18. Review status: criteria provided, single submitter. Criteria: GeneDx Variant Classification (06012015). Collection method: clinical testing. Allele origin: germline. Affected: yes.
Comment: This variant is considered likely benign or benign based on one or more of the following criteria: it is a conservative change, it occurs at a poorly conserved position in the protein, it is predicted to be benign by multiple in silico algorithms, and/or has population frequency not consistent with disease.

NM_000548.5(TSC2):c.2966+217G>T

Gene: TSC2 (TSC complex subunit 2; plus strand). Cytogenetic location: 16p13.3.
Variant type: single nucleotide variant.
Coding change: c.2966+217G>T on transcript NM_000548.5 (MANE Select); 217 bases into the intron after coding-DNA position 2966, G replaced by T.
Molecular consequence: intron variant.
Genome position (GRCh38, 1-based): chr16:2,077,943, G>T. VCF-style: chr16-2077943-G-T. GRCh37 (hg19) VCF-style: chr16-2127944-G-T.
Other names: c.2966+217G>T (NM_001114382.3); c.2838-1089G>T (NM_021055.3, NM_001370405.1, NM_001363528.2); c.2838-1092G>T (NM_001370404.1, NM_001077183.3); c.2727-1089G>T (NM_001318827.2); c.2238-1092G>T (NM_001318831.2); c.2691-1089G>T (NM_001318829.2); c.2871-1092G>T (NM_001318832.2).
Identifiers: ClinVar variation 677554 (VCV000677554.1), dbSNP rs118124428, ClinGen allele CA276744190.